The following is an entry in ClinVar:

NM_024529.5(CDC73):c.1523G>C (p.Arg508Thr)

Gene: CDC73 (cell division cycle 73; plus strand). Cytogenetic location: 1q31.2.
Variant type: single nucleotide variant.
Coding change: c.1523G>C on transcript NM_024529.5 (MANE Select); coding-DNA position 1523, G replaced by C.
Protein change: p.Arg508Thr; replaces arginine 508 with threonine.
Molecular consequence: missense variant.
Genome position (GRCh38, 1-based): chr1:193,249,835, G>C. VCF-style: chr1-193249835-G-C. GRCh37 (hg19) VCF-style: chr1-193218965-G-C.
Other names: short protein forms R508T.
Identifiers: ClinVar variation 4824171 (VCV004824171.1).
Genomic context (GRCh38, chr1:193,249,835, plus strand): 5'-ATGTTCAGAAATGGGATGTAACAGTATTAGAACTCAGCTATCACAAACGTCATTTGGATA[G>C]ACCAGTGTTCTTACGGTTTTGGGAAACATTGGACAGGTAATTCCGATTCTAAAATATGCT-3'
Protein context (NP_078805.3, residues 498-518): ELSYHKRHLD[Arg508Thr]PVFLRFWETL

ClinVar aggregate classification (germline): Uncertain significance (1 of 4 stars; one submission).

Conditions:
Hereditary cancer-predisposing syndrome. Also called: Neoplastic Syndromes, Hereditary; Hereditary neoplastic syndrome; Tumor predisposition; Hereditary Cancer Syndrome. Identifiers: Orphanet 140162, MedGen C0027672, MeSH D009386, MONDO:0015356.

Submission:

Ambry Genetics
Classification: Uncertain significance for Hereditary cancer-predisposing syndrome. Last evaluated: 2026-01-22. Review status: criteria provided, single submitter. Criteria: Ambry Variant Classification Scheme 2023. Collection method: clinical testing. Allele origin: germline.
Comment: The p.R508T variant (also known as c.1523G>C), located in coding exon 16 of the CDC73 gene, results from a G to C substitution at nucleotide position 1523. The arginine at codon 508 is replaced by threonine, an amino acid with similar properties. This amino acid position is conserved. In addition, this alteration is predicted to be deleterious by in silico analysis. Based on the available evidence, the clinical significance of this variant remains unclear.